The following is an entry in ClinVar:

ClinVar aggregate classification (germline): Uncertain significance. Review status: criteria provided, multiple submitters, no conflicts (2 of 4 stars). 6 submissions from 6 submitters: Uncertain significance (5). 1 of the submissions does not count toward it. Last evaluated 2025-04-14.

Conditions:
Inborn genetic diseases. Identifiers: MedGen C0950123, MeSH D030342.
Congenital muscular dystrophy due to partial LAMA2 deficiency. Identifiers: MedGen C1842898.
LAMA2-related disorder. Also called: LAMA2-related disorders; LAMA2-related condition.
LAMA2-related muscular dystrophy (LAMA2-RD). Also called: Laminin alpha 2-related dystrophy. Identifiers: MedGen C5679788, MONDO:0100228.

Allele frequency attached by ClinVar (database versions not stated): ExAC 0.00002; gnomAD exomes 0.00002 and 0.00005; gnomAD 0.00005 and 0.00006; TOPMed 0.00005; ESP Exome Variant Server 0.00008.
gnomAD v4.1: 96 of 1,613,618 alleles (0.0059%); highest among the groups gnomAD compares: Non-Finnish European, 0.0072%; no homozygotes.

Submissions (6):

Ambry Genetics
Classification: Uncertain significance for Inborn genetic diseases. Last evaluated: 2025-04-14. Review status: criteria provided, single submitter. Criteria: Ambry Variant Classification Scheme 2023. Collection method: clinical testing. Allele origin: germline.

Labcorp Genetics (formerly Invitae), Labcorp
Classification: Uncertain significance for LAMA2-related muscular dystrophy. Last evaluated: 2022-08-06. Review status: criteria provided, single submitter. Criteria: Invitae Variant Classification Sherloc (09022015). Collection method: clinical testing. Allele origin: germline.
Comment: This sequence change replaces glutamic acid, which is acidic and polar, with valine, which is neutral and non-polar, at codon 517 of the LAMA2 protein (p.Glu517Val). This variant is present in population databases (rs372358704, gnomAD 0.004%). This variant has not been reported in the literature in individuals affected with LAMA2-related conditions. ClinVar contains an entry for this variant (Variation ID: 355251). Advanced modeling of protein sequence and biophysical properties (such as structural, functional, and spatial information, amino acid conservation, physicochemical variation, residue mobility, and thermodynamic stability) performed at Invitae indicates that this missense variant is not expected to disrupt LAMA2 protein function. Algorithms developed to predict the effect of sequence changes on RNA splicing suggest that this variant may create or strengthen a splice site. In summary, the available evidence is currently insufficient to determine the role of this variant in disease. Therefore, it has been classified as a Variant of Uncertain Significance.

Revvity Omics, Revvity
Classification: Uncertain significance. Last evaluated: 2019-10-29. Review status: criteria provided, single submitter. Criteria: ACMG Guidelines, 2015. Collection method: clinical testing. Allele origin: germline.

Athena Diagnostics
Classification: Uncertain significance. Last evaluated: 2019-07-03. Review status: criteria provided, single submitter. Criteria: Athena Diagnostics Criteria. Collection method: clinical testing. Allele origin: germline.

Illumina Laboratory Services, Illumina
Classification: Uncertain significance for Congenital muscular dystrophy due to partial LAMA2 deficiency. Last evaluated: 2018-01-13. Review status: criteria provided, single submitter. Criteria: ICSL Variant Classification Criteria 13 December 2019. Collection method: clinical testing. Allele origin: germline.

PreventionGenetics, part of Exact Sciences
Classification: Uncertain significance for LAMA2-related condition. Last evaluated: 2024-08-06. Review status: no assertion criteria provided. Collection method: clinical testing. Allele origin: germline. Not counted in ClinVar's aggregate classification.
Comment: The LAMA2 c.1550A>T variant is predicted to result in the amino acid substitution p.Glu517Val. To our knowledge, this variant has not been reported in the literature. This variant is reported in 0.0047% of alleles in individuals of European (non-Finnish) descent in gnomAD. At this time, the clinical significance of this variant is uncertain due to the absence of conclusive functional and genetic evidence.

NM_000426.4(LAMA2):c.1550A>T (p.Glu517Val)

Gene: LAMA2 (laminin subunit alpha 2; plus strand). Cytogenetic location: 6q22.33.
Variant type: single nucleotide variant.
Coding change: c.1550A>T on transcript NM_000426.4 (MANE Select); coding-DNA position 1550, A replaced by T.
Protein change: p.Glu517Val; replaces glutamic acid 517 with valine.
Molecular consequence: missense variant.
Genome position (GRCh38, 1-based): chr6:129,190,287, A>T. VCF-style: chr6-129190287-A-T. GRCh37 (hg19) VCF-style: chr6-129511432-A-T.
Other names: c.1550A>T, p.Glu517Val (NM_001079823.2); short protein forms E517V.
Identifiers: ClinVar variation 355251 (VCV000355251.12), dbSNP rs372358704, ClinGen allele CA3992649.
Genomic context (GRCh38, chr6:129,190,287, plus strand): 5'-GTAGTCGTTGCAAATCCGGCTTCTTCAATTTGCAAGAGGATAATTGGAAAGGCTGCGATG[A>T]GTGTTTCTGTTCAGGGGTTTCAAACAGATGTCAGAGTTCCTACTGGACCTATGGCAAAGT-3'
Protein context (NP_000417.3, residues 507-527): LQEDNWKGCD[Glu517Val]CFCSGVSNRC